The following is an entry in ClinVar:

ClinVar aggregate classification (germline): Uncertain significance (1 of 4 stars; one submission).

Submission:

Dasa
Classification: Uncertain significance. Last evaluated: 2026-01-08. Review status: criteria provided, single submitter. Criteria: DASA Assertion Criteria. Collection method: clinical testing. Allele origin: germline.
Comment: NM_002025.4(AFF2):c.353A>G (p.Gln118Arg) is a missense variant that results in the substitution of glutamine with arginine. This variant is rare in population databases. The currently available literature and clinical evidence are not sufficient to establish a definitive association between this variant and the reported condition. Therefore, this variant is classified as a variant of uncertain significance.

NM_002025.4(AFF2):c.353A>G (p.Gln118Arg)

Gene: AFF2 (ALF transcription elongation factor 2; plus strand). Cytogenetic location: Xq28.
Variant type: single nucleotide variant.
Coding change: c.353A>G on transcript NM_002025.4 (MANE Select); coding-DNA position 353, A replaced by G.
Protein change: p.Gln118Arg; replaces glutamine 118 with arginine.
Molecular consequence: missense variant.
Genome position (GRCh38, 1-based): chrX:148,662,080, A>G. VCF-style: chrX-148662080-A-G. GRCh37 (hg19) VCF-style: chrX-147743601-A-G.
Other names: c.341A>G, p.Gln114Arg (NM_001169122.2, NM_001169123.2, NM_001169125.2); c.353A>G, p.Gln118Arg (NM_001169124.2); short protein forms Q114R, Q118R.
Identifiers: ClinVar variation 4885512 (VCV004885512.2).